The following is an entry in ClinVar:

ClinVar aggregate classification (germline): Likely benign. Review status: criteria provided, multiple submitters, no conflicts (2 of 4 stars). 2 submissions from 2 submitters: Likely benign (2). Last evaluated 2025-08-01.

Conditions:
Cardiovascular phenotype. Identifiers: MedGen CN230736.
Hereditary cancer-predisposing syndrome. Also called: Neoplastic Syndromes, Hereditary; Tumor predisposition; Hereditary Cancer Syndrome; Hereditary neoplastic syndrome. Identifiers: Orphanet 140162, MedGen C0027672, MeSH D009386, MONDO:0015356.

Submissions (2):

CeGaT Center for Human Genetics Tuebingen
Classification: Likely benign. Last evaluated: 2025-08-01. Review status: criteria provided, single submitter. Criteria: CeGaT Center For Human Genetics Tuebingen Variant Classification Criteria Version 2. Collection method: clinical testing. Allele origin: germline. Affected: yes. Observed: 1 variant allele.
Comment: NF1: PM2:Supporting, BP4, BP7

Ambry Genetics
Classification: Likely benign for Cardiovascular phenotype; Hereditary cancer-predisposing syndrome. Last evaluated: 2024-10-22. Review status: criteria provided, single submitter. Criteria: Ambry Variant Classification Scheme 2023. Collection method: clinical testing. Allele origin: germline.

NM_001042492.3(NF1):c.2628T>C (p.Ser876=)

Gene: NF1 (neurofibromin 1; plus strand). Cytogenetic location: 17q11.2.
Variant type: single nucleotide variant.
Coding change: c.2628T>C on transcript NM_001042492.3 (MANE Select); coding-DNA position 2628, T replaced by C.
Protein change: p.Ser876=; no amino-acid change (serine 876 retained).
Molecular consequence: synonymous variant.
Genome position (GRCh38, 1-based): chr17:31,229,243, T>C. VCF-style: chr17-31229243-T-C. GRCh37 (hg19) VCF-style: chr17-29556261-T-C.
Other names: c.2628T>C, p.Ser876= (NM_000267.4).
Identifiers: ClinVar variation 3404853 (VCV003404853.9).